The following is an entry in ClinVar:

ClinVar aggregate classification (germline): Likely benign (1 of 4 stars; one submission).

Submission:

CeGaT Center for Human Genetics Tuebingen
Classification: Likely benign. Last evaluated: 2022-09-01. Review status: criteria provided, single submitter. Criteria: CeGaT Center For Human Genetics Tuebingen Variant Classification Criteria Version 2. Collection method: clinical testing. Allele origin: germline. Affected: yes. Observed: 1 variant allele.
Comment: MYO19: PM2:Supporting, BP4, BP7

NM_001163735.2(MYO19):c.2862A>G (p.Glu954=)

Genes: MYO19 (myosin XIX; minus strand), ZNHIT3 (zinc finger HIT-type containing 3; plus strand). Cytogenetic location: 17q12.
Variant type: single nucleotide variant.
Coding change: c.2862A>G on transcript NM_001163735.2 (MANE Select); coding-DNA position 2862, A replaced by G.
Protein change: p.Glu954=; no amino-acid change (glutamic acid 954 retained).
Molecular consequence: synonymous variant. On other transcripts: intron variant (1).
Genome position (GRCh38, 1-based): chr17:36,496,302, T>C on the plus strand (A>G on the coding strand, the complement: MYO19 is on the minus strand). VCF-style: chr17-36496302-T-C. GRCh37 (hg19) VCF-style: chr17-34852146-T-C.
Other names: c.2262A>G, p.Glu754= (NM_025109.6); c.287-1304T>C (NM_001281432.2).
Identifiers: ClinVar variation 2647691 (VCV002647691.22), dbSNP rs2508739683, ClinGen allele CA2695201321.